The following is an entry in ClinVar:

NM_001267550.2(TTN):c.9247G>A (p.Glu3083Lys)

Gene: TTN (titin; minus strand). Cytogenetic location: 2q31.2.
Variant type: single nucleotide variant.
Coding change: c.9247G>A on transcript NM_001267550.2 (MANE Select); coding-DNA position 9247, G replaced by A.
Protein change: p.Glu3083Lys; replaces glutamic acid 3083 with lysine.
Molecular consequence: missense variant.
Genome position (GRCh38, 1-based): chr2:178,768,072, C>T on the plus strand (G>A on the coding strand, the complement: TTN is on the minus strand). VCF-style: chr2-178768072-C-T. GRCh37 (hg19) VCF-style: chr2-179632799-C-T.
Other names: c.9247G>A, p.Glu3083Lys (NM_001256850.1, NM_133378.4, NM_133379.5); c.9109G>A, p.Glu3037Lys (NM_003319.4, NM_133432.3, NM_133437.4); short protein forms E3037K, E3083K.
Identifiers: ClinVar variation 3075827 (VCV003075827.1), dbSNP rs2532355470, ClinGen allele CA349675591.

ClinVar aggregate classification (germline): Uncertain significance (1 of 4 stars; one submission).

Submission:

Laboratory for Molecular Medicine, Mass General Brigham Personalized Medicine
Classification: Uncertain significance. Last evaluated: 2021-04-14. Review status: criteria provided, single submitter. Criteria: ACMG Guidelines, 2015. Collection method: clinical testing. Allele origin: germline.
Comment: The p.Glu3083Lys variant in TTN has not been previously reported in individuals with cardiomyopathy or in large population studies. Computational prediction tools and conservation analyses suggest that this variant may impact the protein, though this information is not predictive enough to determine pathogenicity. In summary, the clinical significance of this variant is uncertain. ACMG/AMP Criteria applied: PM2_Supporting, PP3.